The following is an entry in ClinVar:

ClinVar aggregate classification (germline): Uncertain significance (1 of 4 stars; one submission).

Conditions:
Dilated cardiomyopathy 1O (CMD1O). Also called: CARDIOMYOPATHY, DILATED, WITH VENTRICULAR TACHYCARDIA. Identifiers: Orphanet 154, MedGen C1837839, MONDO:0012062, OMIM 608569.

Submission:

Labcorp Genetics (formerly Invitae), Labcorp
Classification: Uncertain significance for Dilated cardiomyopathy 1O. Last evaluated: 2020-03-12. Review status: criteria provided, single submitter. Criteria: Invitae Variant Classification Sherloc (09022015). Collection method: clinical testing. Allele origin: germline.
Comment: In summary, the available evidence is currently insufficient to determine the role of this variant in disease. Therefore, it has been classified as a Variant of Uncertain Significance. Algorithms developed to predict the effect of missense changes on protein structure and function are either unavailable or do not agree on the potential impact of this missense change (SIFT: "Deleterious"; PolyPhen-2: "Probably Damaging"; Align-GVGD: "Class C0"). This variant has not been reported in the literature in individuals with ABCC9-related conditions. This variant is not present in population databases (ExAC no frequency). This sequence change replaces valine with glycine at codon 1279 of the ABCC9 protein (p.Val1279Gly). The valine residue is highly conserved and there is a moderate physicochemical difference between valine and glycine.

NM_020297.4(ABCC9):c.3836T>G (p.Val1279Gly)

Genes: ABCC9 (ATP binding cassette subfamily C member 9; minus strand), KCNJ8-AS1 (KCNJ8 antisense RNA 1; plus strand). Cytogenetic location: 12p12.1.
Variant type: single nucleotide variant.
Coding change: c.3836T>G on transcript NM_020297.4 (MANE Select); coding-DNA position 3836, T replaced by G.
Protein change: p.Val1279Gly; replaces valine 1279 with glycine.
Molecular consequence: missense variant.
Genome position (GRCh38, 1-based): chr12:21,817,243, A>C on the plus strand (T>G on the coding strand, the complement: ABCC9 is on the minus strand). VCF-style: chr12-21817243-A-C. GRCh37 (hg19) VCF-style: chr12-21970177-A-C.
Other names: c.3836T>G, p.Val1279Gly (NM_001377273.1, NM_005691.4); c.2969T>G, p.Val990Gly (NM_001377274.1); short protein forms V1279G, V990G.
Identifiers: ClinVar variation 1039679 (VCV001039679.8), dbSNP rs1942706614, ClinGen allele CA384136483.